The following is an entry in ClinVar:

NM_001372076.1(PAX9):c.689G>T (p.Arg230Leu)

Gene: PAX9 (paired box 9; plus strand). Cytogenetic location: 14q13.3.
Variant type: single nucleotide variant.
Coding change: c.689G>T on transcript NM_001372076.1 (MANE Select); coding-DNA position 689, G replaced by T.
Protein change: p.Arg230Leu; replaces arginine 230 with leucine.
Molecular consequence: missense variant.
Genome position (GRCh38, 1-based): chr14:36,666,519, G>T. VCF-style: chr14-36666519-G-T. GRCh37 (hg19) VCF-style: chr14-37135724-G-T.
Other names: c.689G>T, p.Arg230Leu (NM_006194.4); short protein forms R230L.
Identifiers: ClinVar variation 572978 (VCV000572978.12), dbSNP rs368787836, ClinGen allele CA389467358.
Genomic context (GRCh38, chr14:36,666,519, plus strand): 5'-CAGTGAGCGACAGCTCCCCCTACCACAGCCCCAAGGTGGAGGAGTGGAGCAGCCTGGGCC[G>T]CAACAACTTCCCCGCCGCCGCCCCGCACGCGGTGAACGGGTTGGAGAAGGGAGCCCTGGA-3'
Protein context (NP_001359005.1, residues 220-240): PKVEEWSSLG[Arg230Leu]NNFPAAAPHA

ClinVar aggregate classification (germline): Uncertain significance. Review status: criteria provided, multiple submitters, no conflicts (2 of 4 stars). 2 submissions from 2 submitters: Uncertain significance (2). Last evaluated 2024-08-14.

Conditions:
Hypodontia. Also called: Partial congenital absence of teeth; TOOTH AGENESIS, FAMILIAL; Tooth agenesis, selective. Identifiers: Orphanet 99798, MedGen C0020608, MONDO:0005486, HP:0000668. Disease mechanism: loss of function.

gnomAD v4.1: 9 of 1,603,400 alleles (0.00056%); highest among the groups gnomAD compares: Non-Finnish European, 0.00077%; no homozygotes.

Submissions (2):

GeneDx
Classification: Uncertain significance. Last evaluated: 2024-08-14. Review status: criteria provided, single submitter. Criteria: GeneDx Variant Classification Process June 2021. Collection method: clinical testing. Allele origin: germline. Affected: yes.
Comment: In silico analysis supports that this missense variant has a deleterious effect on protein structure/function; Has not been previously published as pathogenic or benign to our knowledge; Not observed at significant frequency in large population cohorts (gnomAD)

Labcorp Genetics (formerly Invitae), Labcorp
Classification: Uncertain significance for Hypodontia. Last evaluated: 2018-05-20. Review status: criteria provided, single submitter. Criteria: Invitae Variant Classification Sherloc (09022015). Collection method: clinical testing. Allele origin: germline.
Comment: This sequence change replaces arginine with leucine at codon 230 of the PAX9 protein (p.Arg230Leu). The arginine residue is highly conserved and there is a moderate physicochemical difference between arginine and leucine. This variant is not present in population databases (ExAC no frequency). This variant has not been reported in the literature in individuals with PAX9-related disease. Algorithms developed to predict the effect of missense changes on protein structure and function are either unavailable or do not agree on the potential impact of this missense change (SIFT: "Deleterious"; PolyPhen-2: "Benign"; Align-GVGD: "Class C65"). In summary, the available evidence is currently insufficient to determine the role of this variant in disease. Therefore, it has been classified as a Variant of Uncertain Significance.